The following is an entry in ClinVar:

ClinVar aggregate classification (germline): Uncertain significance (1 of 4 stars; one submission).

gnomAD v4.1: 1 of 1,614,180 alleles (0.000062%); highest among the groups gnomAD compares: Non-Finnish European, 0.000085%; no homozygotes.

Submission:

Labcorp Genetics (formerly Invitae), Labcorp
Classification: Uncertain significance. Last evaluated: 2025-09-28. Review status: criteria provided, single submitter. Criteria: Invitae Variant Classification Sherloc (09022015). Collection method: clinical testing. Allele origin: germline.
Comment: This sequence change replaces valine, which is neutral and non-polar, with isoleucine, which is neutral and non-polar, at codon 367 of the FLNB protein (p.Val367Ile). This variant is not present in population databases (gnomAD no frequency). This variant has not been reported in the literature in individuals affected with FLNB-related conditions. Invitae Evidence Modeling of protein sequence and biophysical properties (such as structural, functional, and spatial information, amino acid conservation, physicochemical variation, residue mobility, and thermodynamic stability) indicates that this missense variant is not expected to disrupt FLNB protein function with a negative predictive value of 95%. In summary, the available evidence is currently insufficient to determine the role of this variant in disease. Therefore, it has been classified as a Variant of Uncertain Significance.

NM_001457.4(FLNB):c.1099G>A (p.Val367Ile)

Gene: FLNB (filamin B; plus strand). Cytogenetic location: 3p14.3.
Variant type: single nucleotide variant.
Coding change: c.1099G>A on transcript NM_001457.4 (MANE Select); coding-DNA position 1099, G replaced by A.
Protein change: p.Val367Ile; replaces valine 367 with isoleucine.
Molecular consequence: missense variant.
Genome position (GRCh38, 1-based): chr3:58,097,929, G>A. VCF-style: chr3-58097929-G-A. GRCh37 (hg19) VCF-style: chr3-58083656-G-A.
Other names: c.1099G>A, p.Val367Ile (NM_001164317.2, NM_001164318.2, NM_001164319.2); short protein forms V367I.
Identifiers: ClinVar variation 4810383 (VCV004810383.1).